The following is an entry in ClinVar:

NM_005477.3(HCN4):c.520C>G (p.Pro174Ala)

Gene: HCN4 (hyperpolarization activated cyclic nucleotide gated potassium channel 4; minus strand). Cytogenetic location: 15q24.1.
Variant type: single nucleotide variant.
Coding change: c.520C>G on transcript NM_005477.3 (MANE Select); coding-DNA position 520, C replaced by G.
Protein change: p.Pro174Ala; replaces proline 174 with alanine.
Molecular consequence: missense variant.
Genome position (GRCh38, 1-based): chr15:73,367,751, G>C on the plus strand (C>G on the coding strand, the complement: HCN4 is on the minus strand). VCF-style: chr15-73367751-G-C. GRCh37 (hg19) VCF-style: chr15-73660092-G-C.
Other names: short protein forms P174A.
Identifiers: ClinVar variation 1047125 (VCV001047125.8), dbSNP rs542532555, ClinGen allele CA393097763.

ClinVar aggregate classification (germline): Uncertain significance (1 of 4 stars; one submission).

Conditions:
Brugada syndrome 8 (BRGDA8). Identifiers: Orphanet 130, MedGen C2751083, MONDO:0013148, OMIM 613123.

Submission:

Labcorp Genetics (formerly Invitae), Labcorp
Classification: Uncertain significance for Brugada syndrome 8. Last evaluated: 2023-03-20. Review status: criteria provided, single submitter. Criteria: Invitae Variant Classification Sherloc (09022015). Collection method: clinical testing. Allele origin: germline.
Comment: This variant has not been reported in the literature in individuals affected with HCN4-related conditions. This variant is not present in population databases (gnomAD no frequency). This sequence change replaces proline, which is neutral and non-polar, with alanine, which is neutral and non-polar, at codon 174 of the HCN4 protein (p.Pro174Ala). ClinVar contains an entry for this variant (Variation ID: 1047125). In summary, the available evidence is currently insufficient to determine the role of this variant in disease. Therefore, it has been classified as a Variant of Uncertain Significance. Advanced modeling of protein sequence and biophysical properties (such as structural, functional, and spatial information, amino acid conservation, physicochemical variation, residue mobility, and thermodynamic stability) performed at Invitae indicates that this missense variant is not expected to disrupt HCN4 protein function.